The following is an entry in ClinVar:

ClinVar aggregate classification (germline): Uncertain significance. Review status: criteria provided, multiple submitters, no conflicts (2 of 4 stars). 2 submissions from 2 submitters: Uncertain significance (2). Last evaluated 2025-10-26.

Submissions (2):

Ambry Genetics
Classification: Uncertain significance. Last evaluated: 2025-10-26. Review status: criteria provided, single submitter. Criteria: Ambry Variant Classification Scheme 2023. Collection method: clinical testing. Allele origin: germline.
Comment: The p.Y55C variant (also known as c.164A>G), located in coding exon 3 of the RINT1 gene, results from an A to G substitution at nucleotide position 164. The tyrosine at codon 55 is replaced by cysteine, an amino acid with highly dissimilar properties. This amino acid position is conserved. In addition, this alteration is predicted to be tolerated by in silico analysis. Since supporting evidence is limited at this time, the clinical significance of this alteration remains unclear.

Labcorp Genetics (formerly Invitae), Labcorp
Classification: Uncertain significance. Last evaluated: 2021-04-12. Review status: criteria provided, single submitter. Criteria: Invitae Variant Classification Sherloc (09022015). Collection method: clinical testing. Allele origin: germline.
Comment: In summary, the available evidence is currently insufficient to determine the role of this variant in disease. Therefore, it has been classified as a Variant of Uncertain Significance. Algorithms developed to predict the effect of sequence changes on RNA splicing suggest that this variant may create or strengthen a splice site, but this prediction has not been confirmed by published transcriptional studies. Algorithms developed to predict the effect of missense changes on protein structure and function output the following: SIFT: "Tolerated"; PolyPhen-2: "Benign"; Align-GVGD: "Class C0". The cysteine amino acid residue is found in multiple mammalian species, suggesting that this missense change does not adversely affect protein function. These predictions have not been confirmed by published functional studies and their clinical significance is uncertain. This variant has not been reported in the literature in individuals with RINT1-related conditions. This variant is not present in population databases (ExAC no frequency). This sequence change replaces tyrosine with cysteine at codon 55 of the RINT1 protein (p.Tyr55Cys). The tyrosine residue is moderately conserved and there is a large physicochemical difference between tyrosine and cysteine.

NM_021930.6(RINT1):c.164A>G (p.Tyr55Cys)

Gene: RINT1 (RAD50 interactor 1; plus strand). Cytogenetic location: 7q22.3.
Variant type: single nucleotide variant.
Coding change: c.164A>G on transcript NM_021930.6 (MANE Select); coding-DNA position 164, A replaced by G.
Protein change: p.Tyr55Cys; replaces tyrosine 55 with cysteine.
Molecular consequence: missense variant. On other transcripts: 5 prime UTR variant (3), non-coding transcript variant (1), intron variant (1).
Genome position (GRCh38, 1-based): chr7:105,536,640, A>G. VCF-style: chr7-105536640-A-G. GRCh37 (hg19) VCF-style: chr7-105177087-A-G.
Other names: c.164A>G (NM_021930.4); c.-856A>G (NM_001346600.2); c.-759A>G (NM_001346601.2); c.-379A>G (NM_001346603.2); c.39+28A>G (NM_001346599.2); short protein forms Y55C.
Identifiers: ClinVar variation 1471875 (VCV001471875.10), dbSNP rs2133358086, ClinGen allele CA368800222.